The following is an entry in ClinVar:

ClinVar aggregate classification (germline): Uncertain significance (1 of 4 stars; one submission).

Conditions:
Hereditary cancer-predisposing syndrome. Also called: Tumor predisposition; Neoplastic Syndromes, Hereditary; Hereditary Cancer Syndrome; Hereditary neoplastic syndrome. Identifiers: Orphanet 140162, MedGen C0027672, MeSH D009386, MONDO:0015356.

Submission:

Ambry Genetics
Classification: Uncertain significance for Hereditary cancer-predisposing syndrome. Last evaluated: 2019-08-19. Review status: criteria provided, single submitter. Criteria: Ambry Variant Classification Scheme 2023. Collection method: clinical testing. Allele origin: germline.
Comment: The p.A1055V variant (also known as c.3164C>T), located in coding exon 4 of the MSH6 gene, results from a C to T substitution at nucleotide position 3164. The alanine at codon 1055 is replaced by valine, an amino acid with similar properties. This amino acid position is highly conserved in available vertebrate species. In addition, this alteration is predicted to be deleterious by in silico analysis. Since supporting evidence is limited at this time, the clinical significance of this alteration remains unclear.

NM_000179.3(MSH6):c.3164C>T (p.Ala1055Val)

Gene: MSH6 (mutS homolog 6; plus strand). Cytogenetic location: 2p16.3.
Variant type: single nucleotide variant.
Coding change: c.3164C>T on transcript NM_000179.3 (MANE Select); coding-DNA position 3164, C replaced by T.
Protein change: p.Ala1055Val; replaces alanine 1055 with valine.
Molecular consequence: missense variant.
Genome position (GRCh38, 1-based): chr2:47,801,147, C>T. VCF-style: chr2-47801147-C-T. GRCh37 (hg19) VCF-style: chr2-48028286-C-T.
Other names: c.2258C>T, p.Ala753Val (NM_001281494.2, NM_001406811.1, NM_001406812.1 and 6 more transcripts); c.3260C>T, p.Ala1087Val (NM_001406795.1, NM_001406802.1); c.3164C>T, p.Ala1055Val (NM_001406796.1, NM_001406798.1, NM_001406800.1 and 2 more transcripts); c.2867C>T, p.Ala956Val (NM_001406797.1, NM_001406801.1, NM_001406805.1 and 10 more transcripts); c.2639C>T, p.Ala880Val (NM_001406799.1, NM_001406806.1, NM_001406807.1); c.3086C>T, p.Ala1029Val (NM_001406804.1); c.3170C>T, p.Ala1057Val (NM_001406813.1); c.2996C>T, p.Ala999Val (NM_001406826.1); and 2 more; short protein forms A1055V, A956V, A999V, A1087V, A753V, A1029V, A370V, A925V.
Identifiers: ClinVar variation 1728346 (VCV001728346.3), dbSNP rs2104443515, ClinGen allele CA346756738.